The following is an entry in ClinVar:

NM_004837.4(GGPS1):c.770T>G (p.Phe257Cys)

Gene: GGPS1 (geranylgeranyl diphosphate synthase 1; plus strand). Cytogenetic location: 1q42.3.
Variant type: single nucleotide variant.
Coding change: c.770T>G on transcript NM_004837.4 (MANE Select); coding-DNA position 770, T replaced by G.
Protein change: p.Phe257Cys; replaces phenylalanine 257 with cysteine.
Molecular consequence: missense variant.
Genome position (GRCh38, 1-based): chr1:235,342,639, T>G. VCF-style: chr1-235342639-T-G. GRCh37 (hg19) VCF-style: chr1-235505954-T-G.
Other names: c.770T>G, p.Phe257Cys (NM_001037277.1, NM_001371477.1, NM_001371478.1); c.608T>G, p.Phe203Cys (NM_001037278.2); short protein forms F203C, F257C.
Identifiers: ClinVar variation 3233259 (VCV003233259.2), dbSNP rs2528261065.
Genomic context (GRCh38, chr1:235,342,639, plus strand): 5'-GAACAGAAAACATAGATATAAAAAAATACTGTGTACATTATCTTGAGGATGTAGGTTCTT[T>G]TGAATACACTCGTAATACCCTTAAAGAGCTTGAAGCTAAAGCCTATAAACAGATTGATGC-3'
Protein context (NP_004828.1, residues 247-267): CVHYLEDVGS[Phe257Cys]EYTRNTLKEL

ClinVar aggregate classification (germline): Likely pathogenic (1 of 4 stars; one submission).

Conditions:
Myopathy with tubular aggregates (TAM). Also called: Tubular Aggregate Myopathy. Identifiers: Orphanet 2593, MedGen C0410207, MONDO:0008051.

Submission:

Muscle and Diseases Team, Institut de Génétique et Biologie Moléculaire et Cellulaire
Classification: Likely pathogenic for Myopathy with tubular aggregates. Last evaluated: 2024-03-01. Review status: criteria provided, single submitter. Criteria: ACMG Guidelines, 2015. Collection method: research. Allele origin: germline. Affected: yes. Observed: 1 variant allele.
Comment: PM1+PM2+PP3+PP4

Literature cited by the submitters: DOI 10.1186/s13073-024-01353-0; PubMed 32403198.